The following is an entry in ClinVar:

NM_004004.6(GJB2):c.557C>T (p.Thr186Met)

Gene: GJB2 (gap junction protein beta 2; minus strand). Cytogenetic location: 13q12.11.
Variant type: single nucleotide variant.
Coding change: c.557C>T on transcript NM_004004.6 (MANE Select); coding-DNA position 557, C replaced by T.
Protein change: p.Thr186Met; replaces threonine 186 with methionine.
Molecular consequence: missense variant.
Genome position (GRCh38, 1-based): chr13:20,189,025, G>A on the plus strand (C>T on the coding strand, the complement: GJB2 is on the minus strand). VCF-style: chr13-20189025-G-A. GRCh37 (hg19) VCF-style: chr13-20763164-G-A.
Other names: short protein forms T186M.
Identifiers: ClinVar variation 882640 (VCV000882640.8), dbSNP rs753674300, ClinGen allele CA6904238.

ClinVar aggregate classification (germline): Uncertain significance. Review status: criteria provided, multiple submitters, no conflicts (2 of 4 stars). 5 submissions from 3 submitters: Uncertain significance (5). Last evaluated 2023-05-19.

Conditions:
Autosomal dominant nonsyndromic hearing loss 3A. Identifiers: Orphanet 90635, MedGen C2675750, MONDO:0011103, OMIM 601544.
Autosomal recessive nonsyndromic hearing loss 1A (DFNB1A). Also called: GJB6-Related DFNB 1 Nonsyndromic Hearing Loss and Deafness; Deafness, autosomal recessive 1A; Connexin 26 deafness; Deafness nonsyndromic, Connexin 26 linked; Nonsyndromic Hearing Loss and Deafness, DFNB1; GJB2-Related Autosomal Recessive Nonsyndromic Hearing Loss. Identifiers: Orphanet 90636, MedGen C2673759, MONDO:0009076, OMIM 220290.
Ichthyosis, hystrix-like, with hearing loss. Also called: Hystrix-like ichthyosis with deafness. Identifiers: Orphanet 477, MedGen C1865234, MONDO:0011245.

Allele frequency attached by ClinVar (database versions not stated): gnomAD 0.00002 and 0.00001; gnomAD exomes 0.00001; TOPMed 0.00001; ExAC 0.00002.

Submissions (5):

Blueprint Genetics
Classification: Uncertain significance. Last evaluated: 2023-05-19. Review status: criteria provided, single submitter. Criteria: ACMG Guidelines, 2015. Collection method: clinical testing. Allele origin: germline.

Myriad Genetics, Inc.
Classification: Uncertain significance for Autosomal recessive nonsyndromic hearing loss 1A. Last evaluated: 2022-01-03. Review status: criteria provided, single submitter. Criteria: Myriad Women's Health Autosomal Recessive and X-Linked Classification Criteria (2021). Collection method: clinical testing. Allele origin: unknown.
Comment: NM_004004.5(GJB2):c.557C>T(T186M) is a missense variant classified as a variant of uncertain significance in the context of GJB2-related DFNB1 nonsyndromic hearing loss and deafness. T186M has been observed in cases with relevant disease (PMID: 17309986, 20146813, 24256046). Functional assessments of this variant are not available in the literature. T186M has been observed in population frequency databases (gnomAD: EAS 0.01%). In summary, there is insufficient evidence to classify NM_004004.5(GJB2):c.557C>T(T186M) as pathogenic or benign. Please note: this variant was assessed in the context of healthy population screening.

Illumina Laboratory Services, Illumina
Classification: Uncertain significance for Autosomal dominant nonsyndromic hearing loss 3A. Last evaluated: 2017-04-27. Review status: criteria provided, single submitter. Criteria: ICSL Variant Classification Criteria 13 December 2019. Collection method: clinical testing. Allele origin: germline.

Illumina Laboratory Services, Illumina
Classification: Uncertain significance for Autosomal recessive nonsyndromic hearing loss 1A. Last evaluated: 2017-04-27. Review status: criteria provided, single submitter. Criteria: ICSL Variant Classification Criteria 13 December 2019. Collection method: clinical testing. Allele origin: germline.
Comment: This variant was observed as part of a predisposition screen in an ostensibly healthy population. A literature search was performed for the gene, cDNA change, and amino acid change (where applicable). Publications were found based on this search. However, the evidence from the literature, in combination with allele frequency data from public databases where available, was not sufficient to rule this variant in or out of causing disease. Therefore, this variant is classified as a variant of unknown significance.

Illumina Laboratory Services, Illumina
Classification: Uncertain significance for Autosomal dominant keratitis-ichthyosis-hearing loss syndrome. Last evaluated: 2017-04-27. Review status: criteria provided, single submitter. Criteria: ICSL Variant Classification Criteria 13 December 2019. Collection method: clinical testing. Allele origin: germline.

Literature cited by the submitters: PubMed 24256046 (cited by Myriad Genetics, Inc. and Illumina Laboratory Services, Illumina); PubMed 20146813 (cited by Myriad Genetics, Inc.); PubMed 17309986 (cited by Myriad Genetics, Inc.); PubMed 15744158 (cited by Illumina Laboratory Services, Illumina).